The following is an entry in ClinVar:

NM_020944.3(GBA2):c.1561G>A (p.Gly521Ser)

Gene: GBA2 (glucosylceramidase beta 2; minus strand). Cytogenetic location: 9p13.3.
Variant type: single nucleotide variant.
Coding change: c.1561G>A on transcript NM_020944.3 (MANE Select); coding-DNA position 1561, G replaced by A.
Protein change: p.Gly521Ser; replaces glycine 521 with serine.
Molecular consequence: missense variant.
Genome position (GRCh38, 1-based): chr9:35,739,649, C>T on the plus strand (G>A on the coding strand, the complement: GBA2 is on the minus strand). VCF-style: chr9-35739649-C-T. GRCh37 (hg19) VCF-style: chr9-35739646-C-T.
Other names: c.1561G>A, p.Gly521Ser (NM_001330660.2); short protein forms G521S.
Identifiers: ClinVar variation 411202 (VCV000411202.47), dbSNP rs371611090, ClinGen allele CA5050367.
Genomic context (GRCh38, chr9:35,739,649, plus strand): 5'-GGATGGCCTGCCATATCCCAGCCCACCAGCATCCTGTACCCTCAAGGTAGCCAAATCGAC[C>T]GTAGTCCCGTAGGGTGGGGCGGAGGTGACACATGTTTCTGCCCAGCTCCTCTGGTAGGGA-3'
Protein context (NP_065995.1, residues 511-531): CHLRPTLRDY[Gly521Ser]RFGYLEGQEY

ClinVar aggregate classification (germline): Uncertain significance. Review status: criteria provided, multiple submitters, no conflicts (2 of 4 stars). 4 submissions from 4 submitters: Uncertain significance (4). Last evaluated 2026-01-08.

Conditions:
Spastic paraplegia. Identifiers: MedGen C0037772, HP:0001258.
Hereditary spastic paraplegia. Also called: Familial spastic paraparesis. Identifiers: Orphanet 685, MedGen C0037773, MONDO:0019064. Disease mechanism: loss of function.

Allele frequency attached by ClinVar (database versions not stated): ESP Exome Variant Server 0.00008; TOPMed 0.00008; gnomAD exomes 0.00009; ExAC 0.00013; gnomAD 0.00017.

Submissions (4):

Labcorp Genetics (formerly Invitae), Labcorp
Classification: Uncertain significance for Spastic paraplegia. Last evaluated: 2026-01-08. Review status: criteria provided, single submitter. Criteria: Invitae Variant Classification Sherloc (09022015). Collection method: clinical testing. Allele origin: germline.
Comment: This sequence change replaces glycine, which is neutral and non-polar, with serine, which is neutral and polar, at codon 521 of the GBA2 protein (p.Gly521Ser). This variant is present in population databases (rs371611090, gnomAD 0.04%). This variant has not been reported in the literature in individuals affected with GBA2-related conditions. ClinVar contains an entry for this variant (Variation ID: 411202). Invitae Evidence Modeling of protein sequence and biophysical properties (such as structural, functional, and spatial information, amino acid conservation, physicochemical variation, residue mobility, and thermodynamic stability) indicates that this missense variant is not expected to disrupt GBA2 protein function with a negative predictive value of 80%. In summary, the available evidence is currently insufficient to determine the role of this variant in disease. Therefore, it has been classified as a Variant of Uncertain Significance.

Blueprint Genetics
Classification: Uncertain significance. Last evaluated: 2024-07-12. Review status: criteria provided, single submitter. Criteria: ACMG Guidelines, 2015. Collection method: clinical testing. Allele origin: germline.

CeGaT Center for Human Genetics Tuebingen
Classification: Uncertain significance. Last evaluated: 2020-11-01. Review status: criteria provided, single submitter. Criteria: CeGaT Center For Human Genetics Tuebingen Variant Classification Criteria Version 2. Collection method: clinical testing. Allele origin: germline. Affected: yes. Observed: 1 variant allele.

Genome Diagnostics Laboratory, The Hospital for Sick Children
Classification: Uncertain significance for Hereditary spastic paraplegia. Last evaluated: 2016-12-20. Review status: criteria provided, single submitter. Criteria: ACMG Guidelines, 2015. Collection method: clinical testing. Allele origin: germline. Affected: yes.